The following is an entry in ClinVar:

NM_001370259.2(MEN1):c.1201G>C (p.Gly401Arg)

Gene: MEN1 (menin 1; minus strand). Cytogenetic location: 11q13.1.
Variant type: single nucleotide variant.
Coding change: c.1201G>C on transcript NM_001370259.2 (MANE Select); coding-DNA position 1201, G replaced by C.
Protein change: p.Gly401Arg; replaces glycine 401 with arginine.
Molecular consequence: missense variant. On other transcripts: non-coding transcript variant (4), intron variant (1).
Genome position (GRCh38, 1-based): chr11:64,805,183, C>G on the plus strand (G>C on the coding strand, the complement: MEN1 is on the minus strand). VCF-style: chr11-64805183-C-G. GRCh37 (hg19) VCF-style: chr11-64572655-C-G.
Other names: c.1216G>C, p.Gly406Arg (NM_000244.4, NM_001407145.1, NM_130800.3 and 4 more transcripts); c.1327G>C, p.Gly443Arg (NM_001370251.2, NM_001407142.1, NM_001407143.1 and 1 more transcripts); c.1201G>C, p.Gly401Arg (NM_001370260.2, NM_001370261.2, NM_001407146.1 and 2 more transcripts); c.1096G>C, p.Gly366Arg (NM_001370262.2, NM_001370263.2, NM_001407148.1 and 1 more transcripts); c.1342G>C, p.Gly448Arg (NM_001407150.1); c.1222G>C, p.Gly408Arg (NM_001407151.1); c.1186-367G>C (NM_001407152.1); short protein forms G366R, G401R, G406R, G408R, G443R, G448R.
Identifiers: ClinVar variation 3229050 (VCV003229050.1), dbSNP rs2497147005, ClinGen allele CA381180772.

ClinVar aggregate classification (germline): Uncertain significance (1 of 4 stars; one submission).

Conditions:
Hereditary cancer-predisposing syndrome. Also called: Neoplastic Syndromes, Hereditary; Tumor predisposition; Hereditary neoplastic syndrome; Hereditary Cancer Syndrome. Identifiers: Orphanet 140162, MedGen C0027672, MeSH D009386, MONDO:0015356.

Submission:

Ambry Genetics
Classification: Uncertain significance for Hereditary cancer-predisposing syndrome. Last evaluated: 2023-09-21. Review status: criteria provided, single submitter. Criteria: Ambry Variant Classification Scheme 2023. Collection method: clinical testing. Allele origin: germline.
Comment: The p.G401R variant (also known as c.1201G>C), located in coding exon 8 of the MEN1 gene, results from a G to C substitution at nucleotide position 1201. The glycine at codon 401 is replaced by arginine, an amino acid with dissimilar properties. This amino acid position is conserved. In addition, the in silico prediction for this alteration is inconclusive. Since supporting evidence is limited at this time, the clinical significance of this alteration remains unclear.